The following is an entry in ClinVar:

ClinVar aggregate classification (germline): Uncertain significance (1 of 4 stars; one submission).

Conditions:
Gastrointestinal stromal tumor. Also called: Gastrointestinal stromal tumor, somatic; Gastrointestinal stroma tumor. Identifiers: Orphanet 44890, MedGen C0238198, MeSH D046152, MONDO:0011719, OMIM 606764, HP:0100723.

Submission:

Labcorp Genetics (formerly Invitae), Labcorp
Classification: Uncertain significance for Gastrointestinal stromal tumor. Last evaluated: 2024-12-04. Review status: criteria provided, single submitter. Criteria: Invitae Variant Classification Sherloc (09022015). Collection method: clinical testing. Allele origin: germline.
Comment: This sequence change affects the initiator methionine of the KIT mRNA. The next in-frame methionine is located at codon 171. This variant is not present in population databases (gnomAD no frequency). Disruption of the initiator codon has been observed in individual(s) with clinical features of piebaldism (internal data). This variant disrupts a region of the KIT protein in which other variant(s) (p.Cys136Arg) have been observed in individuals with KIT-related conditions (PMID: 8875953). This suggests that this is a clinically significant region of the protein, and that variants that disrupt it are likely to be disease-causing. In summary, the available evidence is currently insufficient to determine the role of this variant in disease. Therefore, it has been classified as a Variant of Uncertain Significance.

Literature cited by the submitters: PubMed 8875953.

NM_000222.3(KIT):c.3G>A (p.Met1Ile)

Gene: KIT (KIT proto-oncogene, receptor tyrosine kinase; plus strand). Cytogenetic location: 4q12.
Variant type: single nucleotide variant.
Coding change: c.3G>A on transcript NM_000222.3 (MANE Select); coding-DNA position 3, G replaced by A.
Protein change: p.Met1Ile; changes the start codon (methionine 1).
Molecular consequence: missense variant, initiator codon variant.
Genome position (GRCh38, 1-based): chr4:54,658,017, G>A. VCF-style: chr4-54658017-G-A. GRCh37 (hg19) VCF-style: chr4-55524184-G-A.
Other names: c.3G>A, p.Met1Ile (NM_001093772.2, NM_001385284.1, NM_001385285.1 and 4 more transcripts); short protein forms M1I.
Identifiers: ClinVar variation 3620911 (VCV003620911.2).